The following is an entry in ClinVar:

NM_033118.4(MYLK2):c.816G>A (p.Val272=)

Gene: MYLK2 (myosin light chain kinase 2; plus strand). Cytogenetic location: 20q11.21.
Variant type: single nucleotide variant.
Coding change: c.816G>A on transcript NM_033118.4 (MANE Select); coding-DNA position 816, G replaced by A.
Protein change: p.Val272=; no amino-acid change (valine 272 retained).
Molecular consequence: synonymous variant.
Genome position (GRCh38, 1-based): chr20:31,823,520, G>A. VCF-style: chr20-31823520-G-A. GRCh37 (hg19) VCF-style: chr20-30411323-G-A.
Identifiers: ClinVar variation 1431613 (VCV001431613.8), dbSNP rs1405030492, ClinGen allele CA510175880.

ClinVar aggregate classification (germline): Uncertain significance (1 of 4 stars; one submission).

Conditions:
Hypertrophic cardiomyopathy 1 (CMH1). Also called: Familial hypertrophic cardiomyopathy 1; MYH7-Related Familial Hypertrophic Cardiomyopathy. Identifiers: MedGen C3495498, MONDO:0008647, OMIM 192600.

Allele frequency attached by ClinVar (database versions not stated): gnomAD exomes below 0.00001.
gnomAD v4.1: 13 of 1,613,834 alleles (0.00081%); highest among the groups gnomAD compares: South Asian, 0.0022%; no homozygotes.

Submission:

Labcorp Genetics (formerly Invitae), Labcorp
Classification: Uncertain significance for Hypertrophic cardiomyopathy 1. Last evaluated: 2020-11-27. Review status: criteria provided, single submitter. Criteria: Invitae Variant Classification Sherloc (09022015). Collection method: clinical testing. Allele origin: germline.
Comment: This sequence change affects codon 272 of the MYLK2 mRNA. It is a 'silent' change, meaning that it does not change the encoded amino acid sequence of the MYLK2 protein. This variant is not present in population databases (ExAC no frequency). This variant has not been reported in the literature in individuals with MYLK2-related conditions. Algorithms developed to predict the effect of sequence changes on RNA splicing suggest that this variant may create or strengthen a splice site, but this prediction has not been confirmed by published transcriptional studies. In summary, the available evidence is currently insufficient to determine the role of this variant in disease. Therefore, it has been classified as a Variant of Uncertain Significance.